The following is an entry in ClinVar:

NM_006440.5(TXNRD2):c.128T>C (p.Leu43Pro)

Gene: TXNRD2 (thioredoxin reductase 2; minus strand). Cytogenetic location: 22q11.21.
Variant type: single nucleotide variant.
Coding change: c.128T>C on transcript NM_006440.5 (MANE Select); coding-DNA position 128, T replaced by C.
Protein change: p.Leu43Pro; replaces leucine 43 with proline.
Molecular consequence: missense variant. On other transcripts: 5 prime UTR variant (1), non-coding transcript variant (1).
Genome position (GRCh38, 1-based): chr22:19,931,074, A>G on the plus strand (T>C on the coding strand, the complement: TXNRD2 is on the minus strand). VCF-style: chr22-19931074-A-G. GRCh37 (hg19) VCF-style: chr22-19918597-A-G.
Other names: c.128T>C, p.Leu43Pro (NM_001282512.3); c.125T>C, p.Leu42Pro (NM_001352300.2); c.38T>C, p.Leu13Pro (NM_001352301.2); c.-161T>C (NM_001352302.2); c.32T>C, p.Leu11Pro (NM_001352303.2); short protein forms L11P, L42P, L43P, L13P.
Identifiers: ClinVar variation 2224882 (VCV002224882.3), dbSNP rs758028882, ClinGen allele CA10104340.
Genomic context (GRCh38, chr22:19,931,074, plus strand): 5'-TATACAGAATACATACCCTCCTTGGCACAAGCCAGGCCACCAGATCCCCCGCCGACCACC[A>G]GGAGATCATAGTCCCGCTGACCTGCTGAGAGAAGGGATGAGAGGTGGGACGGACTGTCTG-3'
Protein context (NP_006431.2, residues 33-53): AAAGQRDYDL[Leu43Pro]VVGGGSGGLA

ClinVar aggregate classification (germline): Uncertain significance (1 of 4 stars; one submission).

Conditions:
Cardiovascular phenotype. Identifiers: MedGen CN230736.

Allele frequency attached by ClinVar (database versions not stated): gnomAD 0.00001; gnomAD exomes 0.00001; ExAC 0.00002.
gnomAD v4.1: 14 of 1,613,380 alleles (0.00087%); highest among the groups gnomAD compares: South Asian, 0.015%; no homozygotes.

Submission:

Ambry Genetics
Classification: Uncertain significance for Cardiovascular phenotype. Last evaluated: 2024-09-17. Review status: criteria provided, single submitter. Criteria: Ambry Variant Classification Scheme 2023. Collection method: clinical testing. Allele origin: germline.
Comment: The p.L43P variant (also known as c.128T>C), located in coding exon 2 of the TXNRD2 gene, results from a T to C substitution at nucleotide position 128. The leucine at codon 43 is replaced by proline, an amino acid with similar properties. This amino acid position is conserved. In addition, this alteration is predicted to be deleterious by in silico analysis. Based on the available evidence, the clinical significance of this variant remains unclear.